The following is an entry in ClinVar:

NM_021930.6(RINT1):c.2311A>C (p.Lys771Gln)

Genes: EFCAB10 (EF-hand calcium binding domain 10; minus strand), RINT1 (RAD50 interactor 1; plus strand). Cytogenetic location: 7q22.3.
Variant type: single nucleotide variant.
Coding change: c.2311A>C on transcript NM_021930.6 (MANE Select); coding-DNA position 2311, A replaced by C.
Protein change: p.Lys771Gln; replaces lysine 771 with glutamine.
Molecular consequence: missense variant. On other transcripts: 3 prime UTR variant (2), non-coding transcript variant (1), intron variant (3).
Genome position (GRCh38, 1-based): chr7:105,567,243, A>C. VCF-style: chr7-105567243-A-C. GRCh37 (hg19) VCF-style: chr7-105207690-A-C.
Other names: c.*211T>G (NM_001355527.2, NM_001355529.2); c.2077A>C, p.Lys693Gln (NM_001346599.2); c.1288A>C, p.Lys430Gln (NM_001346600.2, NM_001346603.2); c.1387A>C, p.Lys463Gln (NM_001346601.2); c.360-1796T>G (NM_001355531.2); c.383+224T>G (NM_001355526.2, NM_001355530.2); short protein forms K693Q, K463Q, K771Q, K430Q.
Identifiers: ClinVar variation 2496984 (VCV002496984.3), dbSNP rs1416265822, ClinGen allele CA368815610.

ClinVar aggregate classification (germline): Uncertain significance (1 of 4 stars; one submission).

Allele frequency attached by ClinVar (database versions not stated): TOPMed 0.00001.
gnomAD v4.1: 4 of 1,613,674 alleles (0.00025%); highest among the groups gnomAD compares: Admixed American, 0.005%; no homozygotes.

Submission:

Ambry Genetics
Classification: Uncertain significance. Last evaluated: 2025-09-10. Review status: criteria provided, single submitter. Criteria: Ambry Variant Classification Scheme 2023. Collection method: clinical testing. Allele origin: germline.
Comment: The p.K771Q variant (also known as c.2311A>C), located in coding exon 15 of the RINT1 gene, results from an A to C substitution at nucleotide position 2311. The lysine at codon 771 is replaced by glutamine, an amino acid with similar properties. This amino acid position is conserved. In addition, this alteration is predicted to be tolerated by in silico analysis. Since supporting evidence is limited at this time, the clinical significance of this alteration remains unclear.